The following is an entry in ClinVar:

NM_030665.4(RAI1):c.2704GAGGAGGTG[3] (p.Val907_Leu908insGluGluVal)

Gene: RAI1 (retinoic acid induced 1; plus strand). Cytogenetic location: 17p11.2.
Variant type: Microsatellite.
Coding change: c.2704GAGGAGGTG[3] on transcript NM_030665.4 (MANE Select); three copies in a row of the 9-base unit GAGGAGGTG starting at c.2704; the reference has two copies in a row; one copy, 9 bases duplicated; also written c.2713_2721dup.
Protein change: p.Val907_Leu908insGluGluVal.
Molecular consequence: inframe insertion.
Genome position (GRCh38, 1-based): chr17:17,795,661-17,795,669, GAGGAGGTG duplicated; duplicating any 9 consecutive bases within chr17:17,795,651-17,795,669 gives the same sequence; the position shown is the placement nearest the transcript's 3' end. VCF-style (leftmost placement, unchanged base first): chr17-17795650-A-AGGAGGAGGT. GRCh37 (hg19) VCF-style: chr17-17698964-A-AGGAGGAGGT.
Other names: c.2713_2721dup (NM_030665.3).
Identifiers: ClinVar variation 2694264 (VCV002694264.4), dbSNP rs749561945, ClinGen allele CA8418588.

ClinVar aggregate classification (germline): Conflicting classifications of pathogenicity. Review status: criteria provided, conflicting classifications (1 of 4 stars). 2 submissions from 2 submitters: Uncertain significance (1); Likely benign (1). Last evaluated 2024-01-29.

Submissions (2):

Labcorp Genetics (formerly Invitae), Labcorp
Classification: Likely benign. Last evaluated: 2024-01-29. Review status: criteria provided, single submitter. Criteria: Invitae Variant Classification Sherloc (09022015). Collection method: clinical testing. Allele origin: germline.

GeneDx
Classification: Uncertain significance. Last evaluated: 2023-05-23. Review status: criteria provided, single submitter. Criteria: GeneDx Variant Classification Process June 2021. Collection method: clinical testing. Allele origin: germline. Affected: yes.
Comment: In-frame duplication of 3 amino acids in a non-repeat region; Has not been previously published as pathogenic or benign to our knowledge